The following is an entry in ClinVar:

NM_004168.4(SDHA):c.360G>A (p.Arg120=)

Gene: SDHA (succinate dehydrogenase complex flavoprotein subunit A; plus strand). Cytogenetic location: 5p15.33.
Variant type: single nucleotide variant.
Coding change: c.360G>A on transcript NM_004168.4 (MANE Select); coding-DNA position 360, G replaced by A.
Protein change: p.Arg120=; no amino-acid change (arginine 120 retained).
Molecular consequence: synonymous variant. On other transcripts: intron variant (1).
Genome position (GRCh38, 1-based): chr5:225,466, G>A. VCF-style: chr5-225466-G-A. GRCh37 (hg19) VCF-style: chr5-225581-G-A.
Other names: c.360G>A, p.Arg120= (NM_001330758.2); c.313-417G>A (NM_001294332.2).
Identifiers: ClinVar variation 1138306 (VCV001138306.12), dbSNP rs1247649190, ClinGen allele CA442690972.

ClinVar aggregate classification (germline): Benign/Likely benign. Review status: criteria provided, multiple submitters, no conflicts (2 of 4 stars). 3 submissions from 3 submitters: Benign (1); Likely benign (2). Last evaluated 2025-07-14.

Conditions:
Hereditary cancer-predisposing syndrome. Also called: Tumor predisposition; Neoplastic Syndromes, Hereditary; Hereditary Cancer Syndrome; Hereditary neoplastic syndrome. Identifiers: Orphanet 140162, MedGen C0027672, MeSH D009386, MONDO:0015356.
Pheochromocytoma/paraganglioma syndrome 5. Also called: Paragangliomas 5; SDHA-Related Hereditary Paraganglioma-Pheochromocytoma Syndrome. Identifiers: Orphanet 29072, MedGen C3279992, MONDO:0013602, OMIM 614165.
Mitochondrial complex II deficiency, nuclear type 1. Also called: SUCCINATE CoQ REDUCTASE DEFICIENCY. Identifiers: Orphanet 3208, MedGen C5700310, MONDO:0100294, OMIM 252011.

Allele frequency attached by ClinVar (database versions not stated): gnomAD exomes below 0.00001; gnomAD 0.00001; TOPMed 0.00001.
gnomAD v4.1: 5 of 1,613,394 alleles (0.00031%); highest among the groups gnomAD compares: Non-Finnish European, 0.00042%; no homozygotes.

Submissions (3):

Labcorp Genetics (formerly Invitae), Labcorp
Classification: Likely benign for Pheochromocytoma/paraganglioma syndrome 5; Mitochondrial complex II deficiency, nuclear type 1. Last evaluated: 2025-07-14. Review status: criteria provided, single submitter. Criteria: Invitae Variant Classification Sherloc (09022015). Collection method: clinical testing. Allele origin: germline.

Myriad Genetics, Inc.
Classification: Benign for Pheochromocytoma/paraganglioma syndrome 5. Last evaluated: 2025-02-28. Review status: criteria provided, single submitter. Criteria: Myriad Autosomal Dominant, Autosomal Recessive and X-Linked Classification Criteria (2023). Collection method: clinical testing. Allele origin: unknown.
Comment: This variant is considered benign. This variant is a silent/synonymous amino acid change and it is not expected to impact splicing.

Ambry Genetics
Classification: Likely benign for Hereditary cancer-predisposing syndrome. Last evaluated: 2021-12-30. Review status: criteria provided, single submitter. Criteria: Ambry Variant Classification Scheme 2023. Collection method: clinical testing. Allele origin: germline.